The following is an entry in ClinVar:

NM_000254.3(MTR):c.250-7G>A

Gene: MTR (5-methyltetrahydrofolate-homocysteine methyltransferase; plus strand). Cytogenetic location: 1q43.
Variant type: single nucleotide variant.
Coding change: c.250-7G>A on transcript NM_000254.3 (MANE Select); 7 bases into the intron before coding-DNA position 250, G replaced by A.
Molecular consequence: intron variant.
Genome position (GRCh38, 1-based): chr1:236,806,137, G>A. VCF-style: chr1-236806137-G-A. GRCh37 (hg19) VCF-style: chr1-236969437-G-A.
Other names: p.?; c.250-7G>A (NM_001291939.1); c.-859-7G>A (NM_001291940.2).
Identifiers: ClinVar variation 296550 (VCV000296550.19), dbSNP rs184332230, ClinGen allele CA1473672.
Genomic context (GRCh38, chr1:236,806,137, plus strand): 5'-GCATGTTTATTCTGGGGGCACAAGAAACTCTAAAGCTCATAATTGACATTATAATCTCTT[G>A]TTGCAGGAATACTTGCTGGCTGGGGCAGATATCATTGAAACAAATACTTTTAGCAGCACT-3'

ClinVar aggregate classification (germline): Benign/Likely benign. Review status: criteria provided, multiple submitters, no conflicts (2 of 4 stars). 7 submissions from 7 submitters: Benign (6); Likely benign (1). Last evaluated 2026-02-01.

Conditions:
Disorders of Intracellular Cobalamin Metabolism. Identifiers: MedGen CN043592.
Methylcobalamin deficiency type cblG (HMAG). Also called: HOMOCYSTINURIA-MEGALOBLASTIC ANEMIA, cblG TYPE; HOMOCYSTINURIA-MEGALOBLASTIC ANEMIA DUE TO DEFECT IN COBALAMIN METABOLISM, cblG COMPLEMENTATION TYPE; HOMOCYSTINURIA-MEGALOBLASTIC ANEMIA, cblG COMPLEMENTATION TYPE; Functional methionine synthase deficiency type cblG. Identifiers: Orphanet 2170, Orphanet 622, MedGen C1855128, MONDO:0009609, OMIM 250940.
Neural tube defects, folate-sensitive (NTDFS). Also called: NTD, FOLATE-SENSITIVE. Identifiers: Orphanet 823, MedGen C1866558, MONDO:0011120, OMIM 601634.

Allele frequency attached by ClinVar (database versions not stated): ESP Exome Variant Server 0.00008; gnomAD exomes 0.00112 and 0.00547; 1000 Genomes Project 0.00260; 1000 Genomes Project 30x 0.00265; gnomAD 0.00275 and 0.00277; ExAC 0.00412; TOPMed 0.00495.
gnomAD v4.1: 2,032 of 1,612,658 alleles (0.13%); highest among the groups gnomAD compares: Admixed American, 3.3%; 40 homozygotes.

Submissions (7):

Labcorp Genetics (formerly Invitae), Labcorp
Classification: Benign for Methylcobalamin deficiency type cblG. Last evaluated: 2026-02-01. Review status: criteria provided, single submitter. Criteria: Invitae Variant Classification Sherloc (09022015). Collection method: clinical testing. Allele origin: germline.

ARUP Laboratories, Molecular Genetics and Genomics, ARUP Laboratories
Classification: Benign. Last evaluated: 2025-01-29. Review status: criteria provided, single submitter. Criteria: ARUP Molecular Germline Variant Investigation Process 2024. Collection method: clinical testing. Allele origin: germline.

Mayo Clinic Laboratories, Mayo Clinic
Classification: Benign. Last evaluated: 2022-12-15. Review status: criteria provided, single submitter. Criteria: ACMG Guidelines, 2015. Collection method: clinical testing. Allele origin: germline. Observed: 2 variant alleles.

Fulgent Genetics
Classification: Likely benign for Methylcobalamin deficiency type cblG; Neural tube defects, folate-sensitive. Last evaluated: 2022-03-03. Review status: criteria provided, single submitter. Criteria: ACMG Guidelines, 2015. Collection method: clinical testing. Allele origin: unknown.

Illumina Laboratory Services, Illumina
Classification: Benign for Disorders of Intracellular Cobalamin Metabolism. Last evaluated: 2018-01-13. Review status: criteria provided, single submitter. Criteria: ICSL Variant Classification Criteria 13 December 2019. Collection method: clinical testing. Allele origin: germline.
Comment: This variant was observed in the ICSL laboratory as part of a predisposition screen in an ostensibly healthy population. It had not been previously curated by ICSL or reported in the Human Gene Mutation Database (HGMD: prior to June 1st, 2018), and was therefore a candidate for classification through an automated scoring system. Utilizing variant allele frequency, disease prevalence and penetrance estimates, and inheritance mode, an automated score was calculated to assess if this variant is too frequent to cause the disease. Based on the score and internal cut-off values, a variant classified as benign is not then subjected to further curation. The score for this variant resulted in a classification of benign for this disease.

GeneDx
Classification: Benign. Last evaluated: 2017-12-04. Review status: criteria provided, single submitter. Criteria: GeneDx Variant Classification (06012015). Collection method: clinical testing. Allele origin: germline. Affected: yes.
Comment: This variant is considered likely benign or benign based on one or more of the following criteria: it is a conservative change, it occurs at a poorly conserved position in the protein, it is predicted to be benign by multiple in silico algorithms, and/or has population frequency not consistent with disease.

Breakthrough Genomics
Classification: Benign. Review status: criteria provided, single submitter. Criteria: ACMG Guidelines, 2015. Collection method: not provided. Allele origin: germline. Inheritance: Autosomal recessive inheritance. Affected: yes.